The following is an entry in ClinVar:

ClinVar aggregate classification (germline): Pathogenic (1 of 4 stars; one submission).

Allele frequency attached by ClinVar (database versions not stated): gnomAD exomes below 0.00001; ExAC 0.00001; TOPMed 0.00001.

Submission:

Labcorp Genetics (formerly Invitae), Labcorp
Classification: Pathogenic. Last evaluated: 2025-08-06. Review status: criteria provided, single submitter. Criteria: Invitae Variant Classification Sherloc (09022015). Collection method: clinical testing. Allele origin: germline.
Comment: This sequence change replaces aspartic acid, which is acidic and polar, with valine, which is neutral and non-polar, at codon 514 of the CNGA3 protein (p.Asp514Val). This variant is not present in population databases (gnomAD no frequency). This missense change has been observed in individual(s) with achromatopsia and/or cone-rod dystrophy (PMID: 21778272; internal data). In at least one individual the data is consistent with being in trans (on the opposite chromosome) from a pathogenic variant. ClinVar contains an entry for this variant (Variation ID: 1444665). Invitae Evidence Modeling of protein sequence and biophysical properties (such as structural, functional, and spatial information, amino acid conservation, physicochemical variation, residue mobility, and thermodynamic stability) indicates that this missense variant is expected to disrupt CNGA3 protein function with a positive predictive value of 95%. For these reasons, this variant has been classified as Pathogenic.

Literature cited by the submitters: PubMed 21778272.

NM_001298.3(CNGA3):c.1541A>T (p.Asp514Val)

Gene: CNGA3 (cyclic nucleotide gated channel subunit alpha 3; plus strand). Cytogenetic location: 2q11.2.
Variant type: single nucleotide variant.
Coding change: c.1541A>T on transcript NM_001298.3 (MANE Select); coding-DNA position 1541, A replaced by T.
Protein change: p.Asp514Val; replaces aspartic acid 514 with valine.
Molecular consequence: missense variant.
Genome position (GRCh38, 1-based): chr2:98,396,711, A>T. VCF-style: chr2-98396711-A-T. GRCh37 (hg19) VCF-style: chr2-99013174-A-T.
Other names: c.1487A>T, p.Asp496Val (NM_001079878.2); short protein forms D514V, D496V.
Identifiers: ClinVar variation 1444665 (VCV001444665.6), dbSNP rs767904913, ClinGen allele CA1794031.